The following is an entry in ClinVar:

ClinVar aggregate classification (germline): Likely benign. Review status: criteria provided, multiple submitters, no conflicts (2 of 4 stars). 3 submissions from 3 submitters: Likely benign (3). Last evaluated 2025-02-13.

Conditions:
Cardiovascular phenotype. Identifiers: MedGen CN230736.
Dilated cardiomyopathy 1G (CMD1G). Identifiers: Orphanet 154, MedGen C1858763, MONDO:0011400, OMIM 604145.
Autosomal recessive limb-girdle muscular dystrophy type 2J (LGMDR10). Also called: Limb-girdle muscular dystrophy, type 2J; MUSCULAR DYSTROPHY, LIMB-GIRDLE, AUTOSOMAL RECESSIVE 10. Identifiers: Orphanet 140922, MedGen C1837342, MONDO:0012127, OMIM 608807.

Allele frequency attached by ClinVar (database versions not stated): TOPMed 0.00001; gnomAD 0.00002 and 0.00003.
gnomAD v4.1: 14 of 1,605,794 alleles (0.00087%); highest among the groups gnomAD compares: African/African-American, 0.004%; no homozygotes.

Submissions (3):

Ambry Genetics
Classification: Likely benign for Cardiovascular phenotype. Last evaluated: 2025-02-13. Review status: criteria provided, single submitter. Criteria: Ambry Variant Classification Scheme 2023. Collection method: clinical testing. Allele origin: germline.

Labcorp Genetics (formerly Invitae), Labcorp
Classification: Likely benign for Dilated cardiomyopathy 1G; Autosomal recessive limb-girdle muscular dystrophy type 2J. Last evaluated: 2024-04-16. Review status: criteria provided, single submitter. Criteria: Invitae Variant Classification Sherloc (09022015). Collection method: clinical testing. Allele origin: germline.

CeGaT Center for Human Genetics Tuebingen
Classification: Likely benign. Last evaluated: 2023-03-01. Review status: criteria provided, single submitter. Criteria: CeGaT Center For Human Genetics Tuebingen Variant Classification Criteria Version 2. Collection method: clinical testing. Allele origin: germline. Affected: yes. Observed: 1 variant allele.
Comment: TTN: BP4, BP7

NM_001267550.2(TTN):c.13980G>A (p.Thr4660=)

Gene: TTN (titin; minus strand). Cytogenetic location: 2q31.2.
Variant type: single nucleotide variant.
Coding change: c.13980G>A on transcript NM_001267550.2 (MANE Select); coding-DNA position 13980, G replaced by A.
Protein change: p.Thr4660=; no amino-acid change (threonine 4660 retained).
Molecular consequence: synonymous variant. On other transcripts: intron variant (1).
Genome position (GRCh38, 1-based): chr2:178,739,253, C>T on the plus strand (G>A on the coding strand, the complement: TTN is on the minus strand). VCF-style: chr2-178739253-C-T. GRCh37 (hg19) VCF-style: chr2-179603980-C-T.
Other names: c.13029G>A, p.Thr4343= (NM_001256850.1); c.12891G>A, p.Thr4297= (NM_003319.4); c.13266G>A, p.Thr4422= (NM_133432.3); c.13467G>A, p.Thr4489= (NM_133437.4); c.10361-893G>A (NM_133378.4).
Identifiers: ClinVar variation 706805 (VCV000706805.34), dbSNP rs1384061855, ClinGen allele CA430295400.
Genomic context (GRCh38, chr2:178,739,253, plus strand): 5'-CAAGGCCTCACAGACATACTCTCCTTGATGGTCTTCGGTATTTACTTTGTCGATGACTAG[C>T]GTATATGTATTTTGATCTTGTAAACACTTGAACTTTTCATCTGAAGGCACCAGTTTATTC-3'
Protein context (NP_001254479.2, residues 4650-4670): FKCLQDQNTY[Thr4660=]LVIDKVNTED